The following is an entry in ClinVar:

NM_007294.4(BRCA1):c.5278-1227C>T

Gene: BRCA1 (BRCA1 DNA repair associated; minus strand). Cytogenetic location: 17q21.31.
Variant type: single nucleotide variant.
Coding change: c.5278-1227C>T on transcript NM_007294.4 (MANE Select); 1227 bases into the intron before coding-DNA position 5278, C replaced by T.
Molecular consequence: intron variant.
Genome position (GRCh38, 1-based): chr17:43,052,344, G>A on the plus strand (C>T on the coding strand, the complement: BRCA1 is on the minus strand). VCF-style: chr17-43052344-G-A. GRCh37 (hg19) VCF-style: chr17-41204361-G-A.
Other names: IVS 20-1227C>T; c.1825-1227C>T (NM_001408458.1, NM_001408461.1, NM_001408464.1 and 7 more transcripts); c.4387-1227C>T (NM_001407967.1); c.4897-1227C>T (NM_001407959.1); c.5011-1227C>T (NM_001407931.1, NM_001407932.1, NM_001407928.1 and 4 more transcripts); c.5134-1227C>T (NM_001407747.1, NM_001407745.1, NM_001407737.1 and 21 more transcripts); c.4894-1227C>T (NM_001407962.1, NM_001407960.1); c.1465-1227C>T (NM_001408512.1); and 75 more.
Identifiers: ClinVar variation 209265 (VCV000209265.2), dbSNP rs111563453, ClinGen allele CA276237.

ClinVar aggregate classification (germline): Benign (3 of 4 stars; one submission).

Conditions:
Breast-ovarian cancer, familial, susceptibility to, 1 (BROVCA1). Also called: BRCA1 Hereditary Breast and Ovarian Cancer; OVARIAN CANCER, SUSCEPTIBILITY TO. Identifiers: Orphanet 145, MedGen C2676676, MONDO:0011450, OMIM 604370. Disease mechanism: loss of function.

Allele frequency attached by ClinVar (database versions not stated): 1000 Genomes Project 30x 0.00406; gnomAD 0.00475 and 0.00514; 1000 Genomes Project 0.00499; TOPMed 0.00522.
gnomAD v4.1: 713 of 151,992 alleles (0.47%); highest among the groups gnomAD compares: African/African-American, 1.6%; 10 homozygotes.

Submission:

Evidence-based Network for the Interpretation of Germline Mutant Alleles (ENIGMA)
Classification: Benign for Breast-ovarian cancer, familial 1. Last evaluated: 2015-01-12. Review status: reviewed by expert panel. Criteria: ENIGMA BRCA1/2 Classification Criteria (2015). Collection method: curation. Allele origin: germline.
Comment: Class 1 not pathogenic based on frequency >1% in an outbred sampleset. Frequency 0.02033 (African), derived from 1000 genomes (2012-04-30).